The following is an entry in ClinVar:

NM_015028.4(TNIK):c.3165G>T (p.Leu1055=)

Gene: TNIK (TRAF2 and NCK interacting kinase; minus strand). Cytogenetic location: 3q26.2.
Variant type: single nucleotide variant.
Coding change: c.3165G>T on transcript NM_015028.4 (MANE Select); coding-DNA position 3165, G replaced by T.
Protein change: p.Leu1055=; no amino-acid change (leucine 1055 retained).
Molecular consequence: synonymous variant.
Genome position (GRCh38, 1-based): chr3:171,084,159, C>A on the plus strand (G>T on the coding strand, the complement: TNIK is on the minus strand). VCF-style: chr3-171084159-C-A. GRCh37 (hg19) VCF-style: chr3-170801948-C-A.
Other names: c.3141G>T, p.Leu1047= (NM_001161560.3); c.3078G>T, p.Leu1026= (NM_001161561.3); c.3054G>T, p.Leu1018= (NM_001161562.3); c.3000G>T, p.Leu1000= (NM_001161563.3); c.2976G>T, p.Leu992= (NM_001161564.3); c.2913G>T, p.Leu971= (NM_001161565.3); c.2889G>T, p.Leu963= (NM_001161566.3).
Identifiers: ClinVar variation 5039826 (VCV005039826.1).

ClinVar aggregate classification (germline): Likely benign (1 of 4 stars; one submission).

Submission:

CeGaT Center for Human Genetics Tuebingen
Classification: Likely benign. Last evaluated: 2026-07-01. Review status: criteria provided, single submitter. Criteria: CeGaT Center For Human Genetics Tuebingen Variant Classification Criteria Version 2. Collection method: clinical testing. Allele origin: germline. Affected: yes. Observed: 1 variant allele.
Comment: TNIK: PM2:Supporting, BP4, BP7